The following is an entry in ClinVar:

NM_020987.5(ANK3):c.11504T>C (p.Leu3835Pro)

Gene: ANK3 (ankyrin 3; minus strand). Cytogenetic location: 10q21.2.
Variant type: single nucleotide variant.
Coding change: c.11504T>C on transcript NM_020987.5 (MANE Select); coding-DNA position 11504, T replaced by C.
Protein change: p.Leu3835Pro; replaces leucine 3835 with proline.
Molecular consequence: missense variant. On other transcripts: intron variant (4).
Genome position (GRCh38, 1-based): chr10:60,069,377, A>G on the plus strand (T>C on the coding strand, the complement: ANK3 is on the minus strand). VCF-style: chr10-60069377-A-G. GRCh37 (hg19) VCF-style: chr10-61829135-A-G.
Other names: c.4388-1368T>C (NM_001204403.2); c.4409-1368T>C (NM_001204404.2); c.4406-1368T>C (NM_001320874.2); c.1808-1368T>C (NM_001149.4); short protein forms L3835P.
Identifiers: ClinVar variation 4755614 (VCV004755614.1).

ClinVar aggregate classification (germline): Uncertain significance (1 of 4 stars; one submission).

Submission:

GeneDx
Classification: Uncertain significance. Last evaluated: 2025-08-06. Review status: criteria provided, single submitter. Criteria: GeneDx Variant Classification Process June 2021. Collection method: clinical testing. Allele origin: germline. Affected: yes.
Comment: Not observed at significant frequency in large population cohorts (gnomAD); In silico analysis suggests that this missense variant does not alter protein structure/function; Has not been previously published as pathogenic or benign to our knowledge